The following is an entry in ClinVar:

NM_033118.4(MYLK2):c.1283G>A (p.Gly428Asp)

Gene: MYLK2 (myosin light chain kinase 2; plus strand). Cytogenetic location: 20q11.21.
Variant type: single nucleotide variant.
Coding change: c.1283G>A on transcript NM_033118.4 (MANE Select); coding-DNA position 1283, G replaced by A.
Protein change: p.Gly428Asp; replaces glycine 428 with aspartic acid.
Molecular consequence: missense variant.
Genome position (GRCh38, 1-based): chr20:31,830,877, G>A. VCF-style: chr20-31830877-G-A. GRCh37 (hg19) VCF-style: chr20-30418680-G-A.
Other names: short protein forms G428D.
Identifiers: ClinVar variation 3876610 (VCV003876610.2).

ClinVar aggregate classification (germline): Uncertain significance (1 of 4 stars; one submission).

gnomAD v4.1: 1 of 1,594,722 alleles (0.000063%); highest among the groups gnomAD compares: Non-Finnish European, 0.000086%; no homozygotes.

Submission:

Ambry Genetics
Classification: Uncertain significance. Last evaluated: 2026-04-12. Review status: criteria provided, single submitter. Criteria: Ambry Variant Classification Scheme 2023. Collection method: clinical testing. Allele origin: germline.
Comment: The p.G428D variant (also known as c.1283G>A), located in coding exon 8 of the MYLK2 gene, results from a G to A substitution at nucleotide position 1283. The glycine at codon 428 is replaced by aspartic acid, an amino acid with similar properties. This amino acid position is conserved. In addition, this alteration is predicted to be deleterious by in silico analysis. Based on the available evidence, the clinical significance of this variant remains unclear.